The following is an entry in ClinVar:

NM_000264.5(PTCH1):c.4342T>C (p.Ter1448Arg)

Gene: PTCH1 (patched 1; minus strand). Cytogenetic location: 9q22.32.
Variant type: single nucleotide variant.
Coding change: c.4342T>C on transcript NM_000264.5 (MANE Select); coding-DNA position 4342, T replaced by C.
Protein change: p.Ter1448Arg.
Molecular consequence: stop lost. On other transcripts: non-coding transcript variant (1).
Genome position (GRCh38, 1-based): chr9:95,446,914, A>G on the plus strand (T>C on the coding strand, the complement: PTCH1 is on the minus strand). VCF-style: chr9-95446914-A-G. GRCh37 (hg19) VCF-style: chr9-98209196-A-G.
Other names: c.4144T>C, p.Ter1382Arg (NM_001083602.3); c.4339T>C, p.Ter1447Arg (NM_001083603.3); c.3889T>C, p.Ter1297Arg (NM_001083604.3, NM_001083605.3, NM_001083606.3 and 1 more transcripts); c.4186T>C, p.Ter1396Arg (NM_001354918.2).
Identifiers: ClinVar variation 2001863 (VCV002001863.5), dbSNP rs2537993747, ClinGen allele CA374109747.

ClinVar aggregate classification (germline): Uncertain significance. Review status: criteria provided, multiple submitters, no conflicts (2 of 4 stars). 2 submissions from 2 submitters: Uncertain significance (2). Last evaluated 2026-09-10.

Conditions:
Gorlin syndrome. Also called: Nevoid Basal Cell Carcinoma Syndrome; Basal cell nevus syndrome. Identifiers: Orphanet 377, MedGen C0004779, MONDO:0007187.
Hereditary cancer-predisposing syndrome. Also called: Hereditary neoplastic syndrome; Neoplastic Syndromes, Hereditary; Tumor predisposition; Hereditary Cancer Syndrome. Identifiers: Orphanet 140162, MedGen C0027672, MeSH D009386, MONDO:0015356.

Submissions (2):

Ambry Genetics
Classification: Uncertain significance for Hereditary cancer-predisposing syndrome. Last evaluated: 2026-09-10. Review status: criteria provided, single submitter. Criteria: Ambry Variant Classification Scheme 2023. Collection method: clinical testing. Allele origin: germline.
Comment: The p.*1448Rext*2 variant (also known as c.4342T>C), located in coding exon 23 of the PTCH1 gene, results from a T to C substitution at nucleotide position 4342. This variant disrupts the stop codon and is predicted to preserve the native sequence while resulting in the elongation of the protein by 2 amino acids. The exact functional effect of the additional amino acids is unknown. This variant was reported in individual(s) with features consistent with PTCH1-related nevoid basal cell carcinoma syndrome (Ambry internal data). Based on the available evidence, the clinical significance of this variant remains unclear.

Labcorp Genetics (formerly Invitae), Labcorp
Classification: Uncertain significance for Gorlin syndrome. Last evaluated: 2022-06-01. Review status: criteria provided, single submitter. Criteria: Invitae Variant Classification Sherloc (09022015). Collection method: clinical testing. Allele origin: germline.
Comment: This variant is not present in population databases (gnomAD no frequency). In summary, the available evidence is currently insufficient to determine the role of this variant in disease. Therefore, it has been classified as a Variant of Uncertain Significance. This variant has not been reported in the literature in individuals affected with PTCH1-related conditions. This sequence change disrupts the translational stop signal of the PTCH1 mRNA. It is expected to extend the length of the PTCH1 protein by 2 additional amino acid residues.